The following is an entry in ClinVar:

ClinVar aggregate classification (germline): Uncertain significance (1 of 4 stars; one submission).

Submission:

Women's Health and Genetics/Laboratory Corporation of America, LabCorp
Classification: Uncertain significance. Last evaluated: 2023-11-03. Review status: criteria provided, single submitter. Criteria: LabCorp Variant Classification Summary - May 2015. Collection method: clinical testing. Allele origin: germline.
Comment: Variant summary: ENG c.492C>A (p.Asp164Glu) results in a conservative amino acid change in the encoded protein sequence. Three of five in-silico tools predict a benign effect of the variant on protein function. The variant was absent in 251394 control chromosomes. The available data on variant occurrences in the general population are insufficient to allow any conclusion about variant significance. To our knowledge, no occurrence of c.492C>A in individuals affected with Hereditary Hemorrhagic Telangiectasia and no experimental evidence demonstrating its impact on protein function have been reported. No submitters have cited clinical-significance assessments for this variant to ClinVar after 2014. Based on the evidence outlined above, the variant was classified as uncertain significance.

NM_001114753.3(ENG):c.492C>A (p.Asp164Glu)

Gene: ENG (endoglin; minus strand). Cytogenetic location: 9q34.11.
Variant type: single nucleotide variant.
Coding change: c.492C>A on transcript NM_001114753.3 (MANE Select); coding-DNA position 492, C replaced by A.
Protein change: p.Asp164Glu; replaces aspartic acid 164 with glutamic acid.
Molecular consequence: missense variant. On other transcripts: 5 prime UTR variant (1).
Genome position (GRCh38, 1-based): chr9:127,826,541, G>T on the plus strand (C>A on the coding strand, the complement: ENG is on the minus strand). VCF-style: chr9-127826541-G-T. GRCh37 (hg19) VCF-style: chr9-130588820-G-T.
Other names: c.492C>A, p.Asp164Glu (NM_000118.4, NM_001406715.1); c.-55C>A (NM_001278138.2); short protein forms D164E.
Identifiers: ClinVar variation 2682635 (VCV002682635.1), dbSNP rs2539077704, ClinGen allele CA374984155.